The following is an entry in ClinVar:

ClinVar aggregate classification (germline): Uncertain significance. Review status: criteria provided, multiple submitters, no conflicts (2 of 4 stars). 2 submissions from 2 submitters: Uncertain significance (2). Last evaluated 2024-06-24.

gnomAD v4.1: 1 of 1,614,240 alleles (0.000062%); highest among the groups gnomAD compares: Non-Finnish European, 0.000085%; no homozygotes.

Submissions (2):

Labcorp Genetics (formerly Invitae), Labcorp
Classification: Uncertain significance. Last evaluated: 2024-06-24. Review status: criteria provided, single submitter. Criteria: Invitae Variant Classification Sherloc (09022015). Collection method: clinical testing. Allele origin: germline.
Comment: This sequence change replaces glutamic acid, which is acidic and polar, with glutamine, which is neutral and polar, at codon 276 of the SLC7A14 protein (p.Glu276Gln). This variant is not present in population databases (gnomAD no frequency). This variant has not been reported in the literature in individuals affected with SLC7A14-related conditions. An algorithm developed to predict the effect of missense changes on protein structure and function (PolyPhen-2) suggests that this variant is likely to be disruptive. In summary, the available evidence is currently insufficient to determine the role of this variant in disease. Therefore, it has been classified as a Variant of Uncertain Significance.

Blueprint Genetics
Classification: Uncertain significance. Last evaluated: 2023-07-10. Review status: criteria provided, single submitter. Criteria: ACMG Guidelines, 2015. Collection method: clinical testing. Allele origin: germline.

NM_020949.3(SLC7A14):c.826G>C (p.Glu276Gln)

Genes: SLC7A14 (solute carrier family 7 member 14; minus strand), SLC7A14-AS1 (SLC7A14 antisense RNA 1; plus strand). Cytogenetic location: 3q26.2.
Variant type: single nucleotide variant.
Coding change: c.826G>C on transcript NM_020949.3 (MANE Select); coding-DNA position 826, G replaced by C.
Protein change: p.Glu276Gln; replaces glutamic acid 276 with glutamine.
Molecular consequence: missense variant.
Genome position (GRCh38, 1-based): chr3:170,486,302, C>G on the plus strand (G>C on the coding strand, the complement: SLC7A14 is on the minus strand). VCF-style: chr3-170486302-C-G. GRCh37 (hg19) VCF-style: chr3-170204091-C-G.
Other names: short protein forms E276Q.
Identifiers: ClinVar variation 3657687 (VCV003657687.3).